The following is an entry in ClinVar:

NM_001127649.3(PEX26):c.758A>G (p.Lys253Arg)

Gene: PEX26 (peroxisomal biogenesis factor 26; plus strand). Cytogenetic location: 22q11.21.
Variant type: single nucleotide variant.
Coding change: c.758A>G on transcript NM_001127649.3 (MANE Select); coding-DNA position 758, A replaced by G.
Protein change: p.Lys253Arg; replaces lysine 253 with arginine.
Molecular consequence: missense variant. On other transcripts: intron variant (1).
Genome position (GRCh38, 1-based): chr22:18,085,202, A>G. VCF-style: chr22-18085202-A-G. GRCh37 (hg19) VCF-style: chr22-18567968-A-G.
Other names: c.758A>G (NM_017929.5); c.758A>G, p.Lys253Arg (NM_017929.6); c.667+1470A>G (NM_001199319.2); short protein forms K253R.
Identifiers: ClinVar variation 1014481 (VCV001014481.8), dbSNP rs1442402838, ClinGen allele CA410268645.

ClinVar aggregate classification (germline): Uncertain significance. Review status: criteria provided, multiple submitters, no conflicts (2 of 4 stars). 2 submissions from 2 submitters: Uncertain significance (2). Last evaluated 2025-05-23.

Conditions:
Peroxisome biogenesis disorder 7B (PBD7B). Identifiers: Orphanet 44, MedGen C3553951, MONDO:0013939, OMIM 614873.
Peroxisome biogenesis disorder 7A (Zellweger). Also called: Peroxisome biogenesis disorder 7A. Identifiers: Orphanet 912, MedGen C3888385, MONDO:0013938, OMIM 614872.
PEX26-related disorder. Also called: PEX26-related condition.

Allele frequency attached by ClinVar (database versions not stated): gnomAD exomes below 0.00001 and 0.00001; gnomAD 0.00001; TOPMed 0.00003.
gnomAD v4.1: 5 of 1,614,010 alleles (0.00031%); highest among the groups gnomAD compares: Admixed American, 0.0033%; no homozygotes.

Submissions (2):

PreventionGenetics, part of Exact Sciences
Classification: Uncertain significance for PEX26-related condition. Last evaluated: 2025-05-23. Review status: criteria provided, single submitter. Criteria: ACMG Guidelines, 2015. Collection method: clinical testing. Allele origin: germline.
Comment: The PEX26 c.758A>G variant is predicted to result in the amino acid substitution p.Lys253Arg. To our knowledge, this variant has not been reported in the literature. This variant is reported in 0.0058% of alleles in individuals of Latino descent in gnomAD. At this time, the clinical significance of this variant is uncertain due to the absence of conclusive functional and genetic evidence.

Labcorp Genetics (formerly Invitae), Labcorp
Classification: Uncertain significance for Peroxisome biogenesis disorder 7A (Zellweger); Peroxisome biogenesis disorder 7B. Last evaluated: 2024-09-06. Review status: criteria provided, single submitter. Criteria: Invitae Variant Classification Sherloc (09022015). Collection method: clinical testing. Allele origin: germline.
Comment: This sequence change replaces lysine, which is basic and polar, with arginine, which is basic and polar, at codon 253 of the PEX26 protein (p.Lys253Arg). This variant is present in population databases (no rsID available, gnomAD 0.006%). This variant has not been reported in the literature in individuals affected with PEX26-related conditions. ClinVar contains an entry for this variant (Variation ID: 1014481). Invitae Evidence Modeling of protein sequence and biophysical properties (such as structural, functional, and spatial information, amino acid conservation, physicochemical variation, residue mobility, and thermodynamic stability) indicates that this missense variant is not expected to disrupt PEX26 protein function with a negative predictive value of 80%. Algorithms developed to predict the effect of sequence changes on RNA splicing suggest that this variant may create or strengthen a splice site. In summary, the available evidence is currently insufficient to determine the role of this variant in disease. Therefore, it has been classified as a Variant of Uncertain Significance.